The following is an entry in ClinVar:

NM_001256071.3(RNF213):c.4515_4516delinsTT (p.Pro1506Ser)

Gene: RNF213 (ring finger protein 213; plus strand). Cytogenetic location: 17q25.3.
Variant type: Indel.
Coding change: c.4515_4516delinsTT on transcript NM_001256071.3 (MANE Select); coding-DNA positions 4515 to 4516, GC replaced by TT.
Protein change: p.Pro1506Ser; replaces proline 1506 with serine.
Molecular consequence: missense variant.
Genome position (GRCh38, 1-based): chr17:80,336,366-80,336,367, GC replaced by TT. VCF-style: chr17-80336366-GC-TT. GRCh37 (hg19) VCF-style: chr17-78310166-GC-TT.
Other names: c.4662_4663delGCinsTT, p.Pro1555Ser (NM_001410195.1, NM_020914.5); short protein forms P1506S, P1555S.
Identifiers: ClinVar variation 2168986 (VCV002168986.4), dbSNP rs2511345845, ClinGen allele CA2580095320.
Genomic context (GRCh38, chr17:80,336,366, plus strand): 5'-CAGTGCATTCATGAAGCATCTGAAAAAGCTGTGGAAGGCTCTGGATAAGGACCAGTACCT[GC>TT]CCAGGAAACTGGTGAGTCTTATTCTGTCTCTAATGCAGATTTTGTTGAATAGAGCATTGC-3'
Protein context (NP_001243000.2, residues 1496-1516): WKALDKDQYL[Pro1506Ser]RKLCDSARNL

ClinVar aggregate classification (germline): Uncertain significance (1 of 4 stars; one submission).

Submission:

Labcorp Genetics (formerly Invitae), Labcorp
Classification: Uncertain significance. Last evaluated: 2025-05-06. Review status: criteria provided, single submitter. Criteria: Invitae Variant Classification Sherloc (09022015). Collection method: clinical testing. Allele origin: germline.
Comment: This sequence change replaces proline, which is neutral and non-polar, with serine, which is neutral and polar, at codon 1506 of the RNF213 protein (p.Pro1506Ser). Information on the frequency of this variant in the gnomAD database is not available, as this variant may be reported differently in the database. This variant has not been reported in the literature in individuals affected with RNF213-related conditions. ClinVar contains an entry for this variant (Variation ID: 2168986). Experimental studies and prediction algorithms are not available or were not evaluated, and the functional significance of this variant is currently unknown. In summary, the available evidence is currently insufficient to determine the role of this variant in disease. Therefore, it has been classified as a Variant of Uncertain Significance.